The following is an entry in ClinVar:

NM_000051.4(ATM):c.5319+5C>T

Gene: ATM (ATM serine/threonine kinase; plus strand). Cytogenetic location: 11q22.3.
Variant type: single nucleotide variant.
Coding change: c.5319+5C>T on transcript NM_000051.4 (MANE Select); 5 bases into the intron after coding-DNA position 5319, C replaced by T.
Molecular consequence: intron variant.
Genome position (GRCh38, 1-based): chr11:108,301,794, C>T. VCF-style: chr11-108301794-C-T. GRCh37 (hg19) VCF-style: chr11-108172521-C-T.
Other names: c.5319+5C>T (NM_001351834.2).
Identifiers: ClinVar variation 922703 (VCV000922703.12), dbSNP rs1565477462, ClinGen allele CA1139662317.

ClinVar aggregate classification (germline): Uncertain significance. Review status: criteria provided, multiple submitters, no conflicts (2 of 4 stars). 4 submissions from 4 submitters: Uncertain significance (4). Last evaluated 2025-07-08.

Conditions:
Hereditary cancer-predisposing syndrome. Also called: Hereditary Cancer Syndrome; Hereditary neoplastic syndrome; Neoplastic Syndromes, Hereditary; Tumor predisposition. Identifiers: Orphanet 140162, MedGen C0027672, MeSH D009386, MONDO:0015356.
Familial cancer of breast. Also called: hereditary breast carcinoma; BREAST CANCER, FAMILIAL; Hereditary breast cancer. Identifiers: Orphanet 227535, MedGen C0346153, MONDO:0016419, OMIM 114480. Disease mechanism: loss of function.
Ataxia-telangiectasia syndrome (AT). Also called: Ataxia-telangiectasia, complementation group E; LOUIS-BAR SYNDROME; Cerebello-oculocutaneous telangiectasia; Immunodeficiency with ataxia telangiectasia; Ataxia-telangiectasia, complementation group D; AT, COMPLEMENTATION GROUP C. Identifiers: Orphanet 100, MedGen C0004135, MONDO:0008840, OMIM 208900.

Allele frequency attached by ClinVar (database versions not stated): gnomAD exomes below 0.00001; TOPMed below 0.00001.
gnomAD v4.1: 1 of 1,613,126 alleles (0.000062%); highest among the groups gnomAD compares: South Asian, 0.0011%; no homozygotes.

Submissions (4):

KCCC/NGS Laboratory, Kuwait Cancer Control Center
Classification: Uncertain significance for Familial cancer of breast. Last evaluated: 2025-07-08. Review status: criteria provided, single submitter. Criteria: ACMG Guidelines, 2015. Collection method: clinical testing. Allele origin: germline. Inheritance: Autosomal dominant inheritance. Affected: yes. Observed: 1 heterozygote.
Comment: This sequence change falls in intron 35 of the ATM gene. It does not directly change the encoded amino acid sequence of the ATM protein. It affects a nucleotide within the consensus splice site. This nucleotide position is not well conserved . This variant is not present in population databases (gnomAD no frequency). This variant has not been reported in the literature in individuals affected with ATM-related conditions. ClinVar contains an entry for this variant (Variation ID: 922703). Variants that disrupt the consensus splice site are a relatively common cause of aberrant splicing (PMID: 17576681, 9536098).In silico splice site analysis predicts that this alteration will not have any significant effect on splicing. In summary, the available evidence is currently insufficient to determine the role of this variant in disease. Therefore, it has been classified as a Variant of Uncertain Significance

Labcorp Genetics (formerly Invitae), Labcorp
Classification: Uncertain significance for Ataxia-telangiectasia syndrome. Last evaluated: 2024-07-02. Review status: criteria provided, single submitter. Criteria: Invitae Variant Classification Sherloc (09022015). Collection method: clinical testing. Allele origin: germline.
Comment: This sequence change falls in intron 35 of the ATM gene. It does not directly change the encoded amino acid sequence of the ATM protein. It affects a nucleotide within the consensus splice site. This variant is not present in population databases (gnomAD no frequency). This variant has not been reported in the literature in individuals affected with ATM-related conditions. ClinVar contains an entry for this variant (Variation ID: 922703). Variants that disrupt the consensus splice site are a relatively common cause of aberrant splicing (PMID: 17576681, 9536098). Algorithms developed to predict the effect of sequence changes on RNA splicing suggest that this variant is not likely to affect RNA splicing. In summary, the available evidence is currently insufficient to determine the role of this variant in disease. Therefore, it has been classified as a Variant of Uncertain Significance.

Ambry Genetics
Classification: Uncertain significance for Hereditary cancer-predisposing syndrome. Last evaluated: 2023-12-22. Review status: criteria provided, single submitter. Criteria: Ambry Variant Classification Scheme 2023. Collection method: clinical testing. Allele origin: germline.
Comment: The c.5319+5C>T intronic variant results from a C to T substitution 5 nucleotides after coding exon 34 in the ATM gene. This nucleotide position is not well conserved in available vertebrate species. In silico splice site analysis predicts that this alteration will not have any significant effect on splicing. Since supporting evidence is limited at this time, the clinical significance of this alteration remains unclear.

Color Diagnostics, LLC DBA Color Health
Classification: Uncertain significance for Hereditary cancer-predisposing syndrome. Last evaluated: 2023-10-26. Review status: criteria provided, single submitter. Criteria: ACMG Guidelines, 2015. Collection method: clinical testing. Allele origin: germline.
Comment: This variant causes a C to T nucleotide substitution at the +5 position of intron 35 of the ATM gene. To our knowledge, functional studies have not been reported for this variant. This variant has not been reported in individuals affected with ATM-related disorders in the literature. This variant has not been identified in the general population by the Genome Aggregation Database (gnomAD). The available evidence is insufficient to determine the role of this variant in disease conclusively. Therefore, this variant is classified as a Variant of Uncertain Significance.

Literature cited by the submitters: PubMed 17576681 (cited by Labcorp Genetics (formerly Invitae), Labcorp); PubMed 9536098 (cited by Labcorp Genetics (formerly Invitae), Labcorp).